The following is an entry in ClinVar:

ClinVar aggregate classification (germline): Uncertain significance (1 of 4 stars; one submission).

Submission:

Labcorp Genetics (formerly Invitae), Labcorp
Classification: Uncertain significance. Last evaluated: 2026-01-12. Review status: criteria provided, single submitter. Criteria: Invitae Variant Classification Sherloc (09022015). Collection method: clinical testing. Allele origin: germline.
Comment: This sequence change replaces glycine, which is neutral and non-polar, with aspartic acid, which is acidic and polar, at codon 628 of the COL9A3 protein (p.Gly628Asp). This variant is present in population databases (no rsID available, gnomAD 0.008%). This variant has not been reported in the literature in individuals affected with COL9A3-related conditions. ClinVar contains an entry for this variant (Variation ID: 3679828). An algorithm developed to predict the effect of missense changes on protein structure and function (PolyPhen-2) suggests that this variant is likely to be disruptive. In summary, the available evidence is currently insufficient to determine the role of this variant in disease. Therefore, it has been classified as a Variant of Uncertain Significance.

NM_001853.4(COL9A3):c.1883G>A (p.Gly628Asp)

Gene: COL9A3 (collagen type IX alpha 3 chain; plus strand). Cytogenetic location: 20q13.33.
Variant type: single nucleotide variant.
Coding change: c.1883G>A on transcript NM_001853.4 (MANE Select); coding-DNA position 1883, G replaced by A.
Protein change: p.Gly628Asp; replaces glycine 628 with aspartic acid.
Molecular consequence: missense variant.
Genome position (GRCh38, 1-based): chr20:62,840,560, G>A. VCF-style: chr20-62840560-G-A. GRCh37 (hg19) VCF-style: chr20-61471912-G-A.
Other names: short protein forms G628D.
Identifiers: ClinVar variation 3679828 (VCV003679828.2).
Genomic context (GRCh38, chr20:62,840,560, plus strand): 5'-GTCCGGGCTGCAGCTGAACTCACCTTTCTGCTCTGTCCCAAGGACCCCAAGGCGTGCCCG[G>A]CACCAGCAAGGACGGCCAGGACGGTGCTCCCGGCGAGCCTGGGCCTCCCGGAGATCCTGG-3'
Protein context (NP_001844.3, residues 618-638): QGPQGPQGVP[Gly628Asp]TSKDGQDGAP